The following is an entry in ClinVar:

NM_016247.4(IMPG2):c.3472A>T (p.Lys1158Ter)

Gene: IMPG2 (interphotoreceptor matrix proteoglycan 2; minus strand). Cytogenetic location: 3q12.3.
Variant type: single nucleotide variant.
Coding change: c.3472A>T on transcript NM_016247.4 (MANE Select); coding-DNA position 3472, A replaced by T.
Protein change: p.Lys1158Ter; replaces lysine 1158 with a stop codon.
Molecular consequence: nonsense.
Genome position (GRCh38, 1-based): chr3:101,229,541, T>A on the plus strand (A>T on the coding strand, the complement: IMPG2 is on the minus strand). VCF-style: chr3-101229541-T-A. GRCh37 (hg19) VCF-style: chr3-100948385-T-A.
Other names: short protein forms K1158*.
Identifiers: ClinVar variation 489324 (VCV000489324.6), dbSNP rs1276845142, ClinGen allele CA353847907.
Genomic context (GRCh38, chr3:101,229,541, plus strand): 5'-GATAGGGTCCCTCATACTTCTCACATCCAGCCCTGTGACTTTCATACACGGGGTTGTACT[T>A]CACAGCATTCTCAATAGATGAGAGGCTGTCAGGCTGCCTGCTGGAGCCACTAAAAGAAAG-3'

ClinVar aggregate classification (germline): Pathogenic/Likely pathogenic. Review status: criteria provided, multiple submitters, no conflicts (2 of 4 stars). 2 submissions from 2 submitters: Pathogenic (1); Likely pathogenic (1). Last evaluated 2025-05-16.

Allele frequency attached by ClinVar (database versions not stated): gnomAD 0.00001; gnomAD exomes 0.00001; TOPMed 0.00001.
gnomAD v4.1: 4 of 1,613,926 alleles (0.00025%); highest among the groups gnomAD compares: Non-Finnish European, 0.00034%; no homozygotes.

Submissions (2):

Labcorp Genetics (formerly Invitae), Labcorp
Classification: Pathogenic. Last evaluated: 2025-05-16. Review status: criteria provided, single submitter. Criteria: Invitae Variant Classification Sherloc (09022015). Collection method: clinical testing. Allele origin: germline.
Comment: This sequence change creates a premature translational stop signal (p.Lys1158*) in the IMPG2 gene. It is expected to result in an absent or disrupted protein product. Loss-of-function variants in IMPG2 are known to be pathogenic (PMID: 20673862). This variant is not present in population databases (gnomAD no frequency). This variant has not been reported in the literature in individuals affected with IMPG2-related conditions. ClinVar contains an entry for this variant (Variation ID: 489324). Algorithms developed to predict the effect of sequence changes on RNA splicing suggest that this variant may disrupt the consensus splice site. For these reasons, this variant has been classified as Pathogenic.

GeneDx
Classification: Likely pathogenic. Last evaluated: 2018-01-22. Review status: criteria provided, single submitter. Criteria: GeneDx Variant Classification (06012015). Collection method: clinical testing. Allele origin: germline. Affected: yes.
Comment: The K1158X variant in the IMPG2 gene has not been reported previously as a pathogenic variant nor as a benign variant, to our knowledge. This variant is predicted to cause loss of normal protein function either through protein truncation or nonsense-mediated mRNA decay. The K1158X variant is not observed in large population cohorts (Lek et al., 2016). We interpret K1158X as a likely pathogenic variant.

Literature cited by the submitters: PubMed 20673862 (cited by Labcorp Genetics (formerly Invitae), Labcorp).